The following is an entry in ClinVar:

ClinVar aggregate classification (germline): Pathogenic. Review status: reviewed by expert panel (3 of 4 stars). 44 submissions from 40 submitters: Pathogenic (1). 43 of the submissions do not count toward it. Last evaluated 2025-01-09.

Conditions:
ANO5-related muscular dystrophy.
Gnathodiaphyseal dysplasia (GDD). Also called: OSTEOGENESIS IMPERFECTA WITH UNUSUAL SKELETAL LESIONS; GNATHODIAPHYSEAL SCLEROSIS. Identifiers: Orphanet 53697, MedGen C1833736, MONDO:0008151, OMIM 166260.
Autosomal recessive limb-girdle muscular dystrophy type 2L (LGMDR12). Also called: Limb-Girdle Muscular Dystrophy R12 Anoctamin-5-Related (LGMD-R12); Limb-girdle muscular dystrophy, type 2L; MUSCULAR DYSTROPHY, LIMB-GIRDLE, AUTOSOMAL RECESSIVE 12. Identifiers: Orphanet 206549, MedGen C1969785, MONDO:0012652, OMIM 611307.
Achilles tendon contracture. Identifiers: MedGen C0410264, HP:0001771.
Elevated circulating creatine kinase activity. Also called: Elevated creatine kinase; Elevated serum creatine phosphokinase; Elevated circulating creatine kinase concentration. Identifiers: MedGen C0241005, HP:0003236.
Polycystic kidney disease. Also called: Kidney, Polycystic; Polycystic kidney dysplasia. Identifiers: MedGen C0022680, MeSH D007690, MONDO:0020642, HP:0000113.
Lower limb muscle weakness. Identifiers: MedGen C1836296, HP:0007340.
Lower limb amyotrophy. Identifiers: MedGen C4024921, HP:0007210.
ANO5-related disorder. Also called: ANO5-related disorders; ANO5-related condition. Identifiers: MedGen CN239193.
Autosomal recessive limb-girdle muscular dystrophy. Identifiers: Orphanet 102015, MedGen C2931907, MONDO:0015152.
Miyoshi muscular dystrophy 3 (MMD3). Also called: Miyoshi myopathy 3; Miyoshi Muscular Dystrophy 3 (MMD3). Identifiers: Orphanet 399096, MedGen C2750076, MONDO:0013222, OMIM 613319.
Myopathy. Identifiers: MedGen C0026848, MeSH D009135, MONDO:0005336, HP:0003198.
Intellectual disability. Also called: intellectual disabilities; Intellectual developmental disorder; Intellectual functioning disability. Identifiers: MedGen C3714756, MeSH D008607, MONDO:0001071, HP:0001249.

Submissions 1 to 11 of 44:

ClinGen Limb Girdle Muscular Dystrophy Variant Curation Expert Panel, ClinGen
Classification: Pathogenic for Autosomal recessive limb-girdle muscular dystrophy. Last evaluated: 2025-01-09. Review status: reviewed by expert panel. Criteria: ClinGen LGMD VCEP ACMG Specifications ANO5 V1.0.0. Collection method: curation. Allele origin: germline. Inheritance: Autosomal recessive inheritance.
Comment: The NM_213599.3: c.191dup (p.Asn64LysfsTer15) variant in ANO5 is a frameshift variant observed to cause a premature stop codon in biologically relevant exon 5/22, leading to nonsense mediated decay in a gene in which loss of function is an established disease mechanism (PVS1; PMID: 20096397). This variant has been detected in at least 26 individuals with autosomal recessive limb girdle muscular dystrophy, including in a homozygous state in at least eight patients (1.0 pt, PMID: 20096397, 28187523, 30919934; PM3). At least one patient with this variant displayed progressive proximal muscle weakness (PP4). The variant has also been reported to segregate with autosomal recessive LGMD in 4 affected family members from 3 families (PP1_Strong; PMID: 22336395, 20096397, 28187523). The filtering allele frequency of this variant is 0.001770 (the lower threshold of the 95% CI of 139/67894 genome chromosomes) in the European (non-Finnish) population in gnomAD v3.1.2, which is higher than the LGMD VCEP threshold (>0.002) for BS1; however, this variant is a frequently observed variant among affected patients and the VCEP opted not to apply this code (BS1 exception). In summary, this variant meets the criteria to be classified as Pathogenic for autosomal recessive limb girdle muscular dystrophy based on the ACMG/AMP criteria applied, as specified by the LGMD VCEP (LGMD VCEP specifications version 1.0.0; 01/09/2025): PVS1, PM3, PP4, PP1_Strong.

CeGaT Center for Human Genetics Tuebingen
Classification: Pathogenic. Last evaluated: 2026-09-01. Review status: criteria provided, single submitter. Criteria: CeGaT Center For Human Genetics Tuebingen Variant Classification Criteria Version 2. Collection method: clinical testing. Allele origin: germline. Affected: yes. Observed: 30 variant alleles. Not counted in ClinVar's aggregate classification.
Comment: ANO5: PM3:Very Strong, PVS1, PM2:Supporting

OLLIN Analises Genomicas, OLLIN
Classification: Pathogenic for Autosomal recessive limb-girdle muscular dystrophy type 2L. Last evaluated: 2026-08-06. Review status: criteria provided, single submitter. Criteria: ACMG Guidelines 2015 PMID 25741868. Collection method: clinical testing. Allele origin: germline. Inheritance: Autosomal dominant inheritance. Not counted in ClinVar's aggregate classification.
Comment: This frameshift variant, located in exon 5 (of 22), has been reported in ClinVar (accession VCV000002164.100), in gnomAD with an allele frequency of 0.208%, and in the scientific literature, segregating with the phenotype and in compound heterozygosity, in individuals with ANO5 related disorders (PMID: 20096397, 28187523, 30919934, 22336395, 22499103). This variant causes a frameshift and introduces a premature stop codon, which is predicted to result in either a truncated protein or degradation of the mRNA via nonsense-mediated decay (NMD). According to the currently available evidence, this variant has been classified as pathogenic (PVS1, PM3, PP1_S, PP4).

Dasa
Classification: Pathogenic. Last evaluated: 2026-03-14. Review status: criteria provided, single submitter. Criteria: DASA Assertion Criteria. Collection method: clinical testing. Allele origin: germline. Not counted in ClinVar's aggregate classification.
Comment: NM_213599.3(ANO5):c.191dup (p.Asn64Lysfs*15) introduces a premature termination codon predicted to result in loss of normal protein function. Loss-of-function is an established mechanism of disease for this gene. Segregation evidence has been reported in affected families. This variant has been recurrently observed in affected individuals with related phenotype in a genotype context consistent with recessive disease (PMID: 21186264; PMID: 23606453; PMID: 20096397; PMID: 21739273; PMID: 23607914). The variant is present at low frequency in population datasets. Based on the available data, this variant is classified as pathogenic.

Labcorp Genetics (formerly Invitae), Labcorp
Classification: Pathogenic for Autosomal recessive limb-girdle muscular dystrophy type 2L; Gnathodiaphyseal dysplasia. Last evaluated: 2026-02-01. Review status: criteria provided, single submitter. Criteria: Invitae Variant Classification Sherloc (09022015). Collection method: clinical testing. Allele origin: germline. Not counted in ClinVar's aggregate classification.
Comment: This sequence change creates a premature translational stop signal (p.Asn64Lysfs*15) in the ANO5 gene. It is expected to result in an absent or disrupted protein product. Loss-of-function variants in ANO5 are known to be pathogenic (PMID: 21186264, 23606453, 25891276, 30919934). This variant is present in population databases (rs575136178, gnomAD 0.2%), including at least one homozygous and/or hemizygous individual. This premature translational stop signal has been observed in individuals with autosomal recessive limb-girdle muscular dystrophy 2L (LGMD2L) and ANO5-related conditions (PMID: 20096397, 21186264, 21739273, 23606453, 23607914, 25891276). It is commonly reported in individuals of Northern European ancestry (PMID: 20096397, 21186264, 21739273, 23607914). ClinVar contains an entry for this variant (Variation ID: 2164). For these reasons, this variant has been classified as Pathogenic.

Revvity Omics, Revvity
Classification: Pathogenic. Last evaluated: 2025-08-08. Review status: criteria provided, single submitter. Criteria: ACMG Guidelines, 2015. Collection method: clinical testing. Allele origin: germline. Not counted in ClinVar's aggregate classification.

PreventionGenetics, part of Exact Sciences
Classification: Pathogenic for ANO5-related condition. Last evaluated: 2025-06-25. Review status: criteria provided, single submitter. Criteria: ACMG Guidelines, 2015. Collection method: clinical testing. Allele origin: germline. Not counted in ClinVar's aggregate classification.
Comment: The ANO5 c.191dupA variant is predicted to result in a frameshift and premature protein termination (p.Asn64Lysfs*15). This variant in the homozygous or compound heterozygous state has been reported in patients with autosomal recessive proximal limb-girdle muscular dystrophy or Miyoshi-like myopathy (see, for example, Bolduc et al. 2010. PubMed ID: 20096397; Hicks et al. 2011. PubMed ID: 21186264; Bouquet et al. 2012. PubMed ID: 22336395). This variant is reported in 0.21% of alleles in individuals of European (Non-Finnish) descent in gnomAD. Frameshift variants in ANO5 are expected to be pathogenic. This variant is interpreted as pathogenic.

Mayo Clinic Laboratories, Mayo Clinic
Classification: Pathogenic. Last evaluated: 2025-03-28. Review status: criteria provided, single submitter. Criteria: ACMG Guidelines, 2015. Collection method: clinical testing. Allele origin: germline. Observed: 14 variant alleles. Not counted in ClinVar's aggregate classification.
Comment: PP1, PP5, PM3, PS4, PVS1

Blueprint Genetics
Classification: Pathogenic for ANO5-related disorders. Last evaluated: 2024-09-25. Review status: criteria provided, single submitter. Criteria: ACMG Guidelines, 2015. Collection method: clinical testing. Allele origin: germline. Affected: yes. Observed: 5 variant alleles. Not counted in ClinVar's aggregate classification.

Department of Human Genetics, Hannover Medical School
Classification: Pathogenic for Autosomal recessive limb-girdle muscular dystrophy type 2L. Last evaluated: 2024-08-16. Review status: criteria provided, single submitter. Criteria: ACMG Guidelines, 2015. Collection method: clinical testing. Allele origin: germline. Inheritance: Autosomal recessive inheritance. Affected: yes. Not counted in ClinVar's aggregate classification.

Fulgent Genetics
Classification: Pathogenic for Gnathodiaphyseal dysplasia; Autosomal recessive limb-girdle muscular dystrophy type 2L; Miyoshi muscular dystrophy 3. Last evaluated: 2024-02-05. Review status: criteria provided, single submitter. Criteria: ACMG Guidelines, 2015. Collection method: clinical testing. Allele origin: germline. Not counted in ClinVar's aggregate classification.

NM_213599.3(ANO5):c.191dup (p.Asn64fs)

Gene: ANO5 (anoctamin 5; plus strand). Cytogenetic location: 11p14.3.
Variant type: Duplication.
Coding change: c.191dup on transcript NM_213599.3 (MANE Select); coding-DNA position 191, one base duplicated (A; older notation c.191dupA).
Protein change: p.Asn64fs; shifts the reading frame from asparagine 64.
Molecular consequence: frameshift variant.
Genome position (GRCh38, 1-based): chr11:22,221,107, A duplicated; the last of 7 consecutive A bases (chr11:22,221,101-22,221,107); duplicating any one gives the same sequence. VCF-style (leftmost placement, unchanged base first): chr11-22221100-C-CA. GRCh37 (hg19) VCF-style: chr11-22242646-C-CA.
Other names: NM_213599.3(ANO5):c.191dup; p.Asn64fs; c.191dupA (NM_213599.2, NM_213599.3); c.188dup, p.Asn63fs (NM_001142649.2); c.188dupA (NM_001142649.1); short protein forms N63fs, N64fs.
Identifiers: ClinVar variation 2164 (VCV000002164.104), dbSNP rs137854521, ClinGen allele CA115378.